The following is an entry in ClinVar:

ClinVar aggregate classification (germline): Uncertain significance. Review status: criteria provided, single submitter (1 of 4 stars). 2 submissions from 2 submitters: Uncertain significance (1). 1 of the submissions does not count toward it. Last evaluated 2025-02-07.

Conditions:
TSPAN7-related disorder. Also called: TSPAN7-related condition.

Submissions (2):

Ambry Genetics
Classification: Uncertain significance. Last evaluated: 2025-02-07. Review status: criteria provided, single submitter. Criteria: Ambry Variant Classification Scheme 2023. Collection method: clinical testing. Allele origin: germline.

PreventionGenetics, part of Exact Sciences
Classification: Uncertain significance for TSPAN7-related condition. Last evaluated: 2024-09-19. Review status: no assertion criteria provided. Collection method: clinical testing. Allele origin: germline. Not counted in ClinVar's aggregate classification.
Comment: The TSPAN7 c.272A>G variant is predicted to result in the amino acid substitution p.Tyr91Cys. To our knowledge, this variant has not been reported in the literature or in gnomAD, indicating this variant is rare. At this time, the clinical significance of this variant is uncertain due to the absence of conclusive functional and genetic evidence.

NM_004615.4(TSPAN7):c.272A>G (p.Tyr91Cys)

Gene: TSPAN7 (tetraspanin 7; plus strand). Cytogenetic location: Xp11.4.
Variant type: single nucleotide variant.
Coding change: c.272A>G on transcript NM_004615.4 (MANE Select); coding-DNA position 272, A replaced by G.
Protein change: p.Tyr91Cys; replaces tyrosine 91 with cysteine.
Molecular consequence: missense variant.
Genome position (GRCh38, 1-based): chrX:38,671,377, A>G. VCF-style: chrX-38671377-A-G. GRCh37 (hg19) VCF-style: chrX-38530631-A-G.
Other names: short protein forms Y91C.
Identifiers: ClinVar variation 3345929 (VCV003345929.2).